The following is an entry in ClinVar:

ClinVar aggregate classification (germline): Pathogenic (1 of 4 stars; one submission).

Conditions:
Macular corneal dystrophy (MCD). Also called: GROENOUW TYPE II CORNEAL DYSTROPHY; Macular corneal dystrophy Type I. Identifiers: Orphanet 98969, MedGen C1636149, MONDO:0009020, OMIM 217800.

Submission:

Women's Health and Genetics/Laboratory Corporation of America, LabCorp
Classification: Pathogenic for Macular corneal dystrophy. Last evaluated: 2024-11-13. Review status: criteria provided, single submitter. Criteria: LabCorp Variant Classification Summary - May 2015. Collection method: clinical testing. Allele origin: germline.
Comment: Variant summary: CHST6 c.463_464delCG (p.Arg155AlafsX66) results in a premature termination codon, predicted to cause a truncation of the encoded protein or absence of the protein due to nonsense mediated decay, which are commonly known mechanisms for disease. The variant was absent in 246150 control chromosomes. c.463_464delCG has been reported in the literature in multiple homozygous and compound heterozygous individuals affected with Macular Corneal Dystrophy (Yaylacioglu Tuncay_2016, Wang_2017, Hao_2022). These data indicate that the variant is very likely to be associated with disease. To our knowledge, no experimental evidence demonstrating an impact on protein function has been reported. The following publications have been ascertained in the context of this evaluation (PMID: 34826417, 29221207, 27829782). No submitters have cited clinical-significance assessments for this variant to ClinVar. Based on the evidence outlined above, the variant was classified as pathogenic.

Literature cited by the submitters: PubMed 34826417; PubMed 29221207; PubMed 27829782.

NM_021615.5(CHST6):c.463_464del (p.Arg155fs)

Gene: CHST6 (carbohydrate sulfotransferase 6; minus strand). Cytogenetic location: 16q23.1.
Variant type: Microsatellite.
Coding change: c.463_464del on transcript NM_021615.5 (MANE Select); coding-DNA positions 463 to 464, 2 bases deleted (CG; older notation c.463_464delCG).
Protein change: p.Arg155fs; shifts the reading frame from arginine 155.
Molecular consequence: frameshift variant.
Genome position (GRCh38, 1-based): chr16:75,479,365-75,479,366, CG deleted on the plus strand (CG on the coding strand, the reverse complement: CHST6 is on the minus strand); deleting any 2 consecutive bases within chr16:75,479,365-75,479,371 gives the same sequence; the c. name uses the placement nearest the transcript's 3' end. VCF-style (leftmost placement, unchanged base first): chr16-75479364-CCG-C. GRCh37 (hg19) VCF-style: chr16-75513262-CCG-C.
Other names: c.463_464delCG (NM_021615.5); short protein forms R155fs.
Identifiers: ClinVar variation 3629653 (VCV003629653.1).
Genomic context (GRCh38, chr16:75,479,364, plus strand): 5'-CTCCTTGAGCACCACGTGGCTGTAGGAGCGGCAGGCCTCCCGGGCCAGGGTGAAGGACTG[CCG>C]CGCGCACAGTGGCTTGCACACGGCCTCGCTGCTGATGGCGCCTCGGGGAAAGGCACTGCA-3'